The following is an entry in ClinVar:

NM_001080826.3(PRAG1):c.2556G>A (p.Ser852=)

Gene: PRAG1 (PEAK1 related, kinase-activating pseudokinase 1). Cytogenetic location: 8p23.1.
Variant type: single nucleotide variant.
Coding change: c.2556G>A on transcript NM_001080826.3 (MANE Select); coding-DNA position 2556, G replaced by A.
Protein change: p.Ser852=; no amino-acid change (serine 852 retained).
Molecular consequence: synonymous variant. On other transcripts: non-coding transcript variant (1).
Genome position (GRCh38, 1-based): chr8:8,328,226, C>T on the plus strand (G>A on the coding strand, the complement: PRAG1 is on the minus strand). VCF-style: chr8-8328226-C-T. GRCh37 (hg19) VCF-style: chr8-8185742-C-T.
Other names: c.2556G>A, p.Ser852= (NM_001369759.1).
Identifiers: ClinVar variation 2658369 (VCV002658369.24), dbSNP rs200047944, ClinGen allele CA4617527.

ClinVar aggregate classification (germline): Likely benign (1 of 4 stars; one submission).

Allele frequency attached by ClinVar (database versions not stated): ESP Exome Variant Server 0.00138; gnomAD exomes 0.00016; ExAC 0.00046; 1000 Genomes Project 0.00080; gnomAD 0.00113; 1000 Genomes Project 30x 0.00125; TOPMed 0.00132.
gnomAD v4.1: 418 of 1,614,168 alleles (0.026%); highest among the groups gnomAD compares: African/African-American, 0.43%; 1 homozygote.

Submission:

CeGaT Center for Human Genetics Tuebingen
Classification: Likely benign. Last evaluated: 2022-06-01. Review status: criteria provided, single submitter. Criteria: CeGaT Center For Human Genetics Tuebingen Variant Classification Criteria Version 2. Collection method: clinical testing. Allele origin: germline. Affected: yes. Observed: 1 variant allele.
Comment: PRAG1: BP4, BP7